The following is an entry in ClinVar:

ClinVar aggregate classification (germline): Uncertain significance. Review status: criteria provided, multiple submitters, no conflicts (2 of 4 stars). 2 submissions from 2 submitters: Uncertain significance (2). Last evaluated 2023-04-28.

Conditions:
Neurodevelopmental disorder with hypotonia, stereotypic hand movements, and impaired language. Also called: Intellectual disability, autosomal dominant 20. Identifiers: Orphanet 228384, Orphanet 664410, MedGen C3150700, MONDO:0013266, OMIM 613443.

Submissions (2):

GeneDx
Classification: Uncertain significance. Last evaluated: 2023-04-28. Review status: criteria provided, single submitter. Criteria: GeneDx Variant Classification Process June 2021. Collection method: clinical testing. Allele origin: germline. Affected: yes.
Comment: Not observed at significant frequency in large population cohorts (gnomAD); In silico analysis supports that this missense variant has a deleterious effect on protein structure/function; Has not been previously published as pathogenic or benign to our knowledge

Labcorp Genetics (formerly Invitae), Labcorp
Classification: Uncertain significance for Neurodevelopmental disorder with hypotonia, stereotypic hand movements, and impaired language. Last evaluated: 2023-01-28. Review status: criteria provided, single submitter. Criteria: Invitae Variant Classification Sherloc (09022015). Collection method: clinical testing. Allele origin: germline.
Comment: In summary, the available evidence is currently insufficient to determine the role of this variant in disease. Therefore, it has been classified as a Variant of Uncertain Significance. Advanced modeling of protein sequence and biophysical properties (such as structural, functional, and spatial information, amino acid conservation, physicochemical variation, residue mobility, and thermodynamic stability) has been performed at Invitae for this missense variant, however the output from this modeling did not meet the statistical confidence thresholds required to predict the impact of this variant on MEF2C protein function. This variant has not been reported in the literature in individuals affected with MEF2C-related conditions. This variant is not present in population databases (gnomAD no frequency). This sequence change replaces serine, which is neutral and polar, with leucine, which is neutral and non-polar, at codon 331 of the MEF2C protein (p.Ser331Leu).

NM_002397.5(MEF2C):c.992C>T (p.Ser331Leu)

Gene: MEF2C (myocyte enhancer factor 2C; minus strand). Cytogenetic location: 5q14.3.
Variant type: single nucleotide variant.
Coding change: c.992C>T on transcript NM_002397.5 (MANE Select); coding-DNA position 992, C replaced by T.
Protein change: p.Ser331Leu; replaces serine 331 with leucine.
Molecular consequence: missense variant.
Genome position (GRCh38, 1-based): chr5:88,728,601, G>A on the plus strand (C>T on the coding strand, the complement: MEF2C is on the minus strand). VCF-style: chr5-88728601-G-A. GRCh37 (hg19) VCF-style: chr5-88024418-G-A.
Other names: c.992C>T, p.Ser331Leu (NM_001364336.2, NM_001364337.2, NM_001364345.2 and 9 more transcripts); c.1022C>T, p.Ser341Leu (NM_001364338.2, NM_001193347.1); c.968C>T, p.Ser323Leu (NM_001364339.2, NM_001364340.2, NM_001364341.2 and 6 more transcripts); c.962C>T, p.Ser321Leu (NM_001364343.2, NM_001131005.2, NM_001364352.2); c.848C>T, p.Ser283Leu (NM_001364344.2, NM_001193349.3, NM_001364332.2 and 2 more transcripts); c.824C>T, p.Ser275Leu (NM_001193348.1); c.614C>T, p.Ser205Leu (NM_001364353.2, NM_001364356.2); c.542C>T, p.Ser181Leu (NM_001364357.2); short protein forms S181L, S205L, S275L, S283L, S321L, S323L, S331L, S341L.
Identifiers: ClinVar variation 2501648 (VCV002501648.4), dbSNP rs2546949253, ClinGen allele CA360422717.